The following is an entry in ClinVar:

NM_012144.4(DNAI1):c.1693G>A (p.Val565Met)

Gene: DNAI1 (dynein axonemal intermediate chain 1; plus strand). Cytogenetic location: 9p13.3.
Variant type: single nucleotide variant.
Coding change: c.1693G>A on transcript NM_012144.4 (MANE Select); coding-DNA position 1693, G replaced by A.
Protein change: p.Val565Met; replaces valine 565 with methionine.
Molecular consequence: missense variant.
Genome position (GRCh38, 1-based): chr9:34,514,517, G>A. VCF-style: chr9-34514517-G-A. GRCh37 (hg19) VCF-style: chr9-34514515-G-A.
Other names: c.1705G>A, p.Val569Met (NM_001281428.2); short protein forms V565M, V569M.
Identifiers: ClinVar variation 639604 (VCV000639604.14), dbSNP rs139953639, ClinGen allele CA5034497.
Genomic context (GRCh38, chr9:34,514,517, plus strand): 5'-ACTGTGTCCTGGAACCCATACCACACCAAGGTCTTCATGTCCTGCAGCTCCGACTGGACA[G>A]TGAAGATCTGGGACCACACCATCAAGTGAGGGGCCTGTTCCTGGCTCTGCCTGGGGCCCT-3'
Protein context (NP_036276.1, residues 555-575): VFMSCSSDWT[Val565Met]KIWDHTIKTP

ClinVar aggregate classification (germline): Conflicting classifications of pathogenicity. Review status: criteria provided, conflicting classifications (1 of 4 stars). 5 submissions from 5 submitters: Pathogenic (1); Uncertain significance (3). 1 of the submissions does not count toward it. Last evaluated 2026-02-05.

Conditions:
Kartagener syndrome (CILD1). Also called: Dextrocardia bronchiectasis and sinusitis; IMMOTILE CILIA SYNDROME; POLYNESIAN BRONCHIECTASIS; CILIARY DYSKINESIA, PRIMARY, 1; CILIARY DYSKINESIA, PRIMARY, 1, WITH OR WITHOUT SITUS INVERSUS; SIEWERT SYNDROME. Identifiers: Orphanet 244, MedGen C4551906, MONDO:0009484, OMIM 244400.
Primary ciliary dyskinesia. Also called: Ciliary dyskinesia. Identifiers: Orphanet 244, MedGen C0008780, MONDO:0016575, HP:0012265.

Allele frequency attached by ClinVar (database versions not stated): gnomAD exomes below 0.00001 and 0.00001; ExAC 0.00002; gnomAD 0.00004; ESP Exome Variant Server 0.00008; TOPMed 0.00010; 1000 Genomes Project 30x 0.00016; 1000 Genomes Project 0.00020.
gnomAD v4.1: 10 of 1,614,264 alleles (0.00062%); highest among the groups gnomAD compares: Admixed American, 0.012%; no homozygotes.

Submissions (5):

GeneDx
Classification: Uncertain significance. Last evaluated: 2026-02-05. Review status: criteria provided, single submitter. Criteria: GeneDx Variant Classification Process June 2021. Collection method: clinical testing. Allele origin: germline.
Comment: In silico analysis supports that this missense variant has a deleterious effect on protein structure/function; Has not been previously published as pathogenic or benign to our knowledge

Labcorp Genetics (formerly Invitae), Labcorp
Classification: Pathogenic for Primary ciliary dyskinesia. Last evaluated: 2025-07-25. Review status: criteria provided, single submitter. Criteria: Invitae Variant Classification Sherloc (09022015). Collection method: clinical testing. Allele origin: germline.
Comment: This sequence change replaces valine, which is neutral and non-polar, with methionine, which is neutral and non-polar, at codon 565 of the DNAI1 protein (p.Val565Met). This variant is present in population databases (rs139953639, gnomAD no frequency). This missense change has been observed in individual(s) with primary ciliary dyskinesia (internal data). ClinVar contains an entry for this variant (Variation ID: 639604). Invitae Evidence Modeling of protein sequence and biophysical properties (such as structural, functional, and spatial information, amino acid conservation, physicochemical variation, residue mobility, and thermodynamic stability) has been performed for this missense variant. However, the output from this modeling did not meet the statistical confidence thresholds required to predict the impact of this variant on DNAI1 protein function. For these reasons, this variant has been classified as Pathogenic.

Ambry Genetics
Classification: Uncertain significance for Primary ciliary dyskinesia. Last evaluated: 2023-11-13. Review status: criteria provided, single submitter. Criteria: Ambry Variant Classification Scheme 2023. Collection method: clinical testing. Allele origin: germline.

Baylor Genetics
Classification: Uncertain significance for Kartagener syndrome. Last evaluated: 2018-04-11. Review status: criteria provided, single submitter. Criteria: ACMG Guidelines, 2015. Collection method: clinical testing. Allele origin: inherited. Affected: yes.
Comment: This variant was determined to be of uncertain significance according to ACMG Guidelines, 2015 [PMID:25741868].

Natera, Inc.
Classification: Uncertain significance for Primary ciliary dyskinesia. Last evaluated: 2020-10-26. Review status: no assertion criteria provided. Collection method: clinical testing. Allele origin: germline. Not counted in ClinVar's aggregate classification.